The following is an entry in ClinVar:

NM_000214.3(JAG1):c.3001_3002dup (p.Cys1002fs)

Gene: JAG1 (jagged canonical Notch ligand 1; minus strand). Cytogenetic location: 20p12.2.
Variant type: Duplication.
Coding change: c.3001_3002dup on transcript NM_000214.3 (MANE Select); coding-DNA positions 3001 to 3002, 2 bases duplicated (GC; older notation c.3001_3002dupGC).
Protein change: p.Cys1002fs; shifts the reading frame from cysteine 1002.
Molecular consequence: frameshift variant.
Genome position (GRCh38, 1-based): chr20:10,641,159-10,641,160, GC duplicated on the plus strand (GC on the coding strand, the reverse complement: JAG1 is on the minus strand); duplicating any 2 consecutive bases within chr20:10,641,159-10,641,161 gives the same sequence; the c. name uses the placement nearest the transcript's 3' end. VCF-style (leftmost placement, unchanged base first): chr20-10641158-A-AGC. GRCh37 (hg19) VCF-style: chr20-10621806-A-AGC.
Other names: c.3001_3002dupGC (NM_000214.3); short protein forms C1002fs.
Identifiers: ClinVar variation 1032929 (VCV001032929.2), dbSNP rs2067268275, ClinGen allele CA2349880710.

ClinVar aggregate classification (germline): Pathogenic. Review status: criteria provided, multiple submitters, no conflicts (2 of 4 stars). 2 submissions from 2 submitters: Pathogenic (2). Last evaluated 2024-04-01.

Conditions:
Alagille syndrome due to a JAG1 point mutation. Also called: HEPATIC DUCTULAR HYPOPLASIA, SYNDROMATIC; Alagille Syndrome 1; JAG1-Related Alagille Syndrome. Identifiers: Orphanet 261619, Orphanet 52, MedGen C1956125, MONDO:0016862, OMIM 118450.
Tetralogy of Fallot (TOF). Identifiers: Orphanet 3303, MedGen C0039685, MONDO:0008542, OMIM 187500, HP:0001636.

Submissions (2):

Daryl Scott Lab, Baylor College of Medicine
Classification: Pathogenic for Alagille syndrome due to a JAG1 point mutation. Last evaluated: 2024-04-01. Review status: criteria provided, single submitter. Criteria: ACMG Guidelines, 2015. Collection method: clinical testing. Allele origin: de novo. Affected: yes. Observed: 1 heterozygote.
Comment: PVS1, PS2, PM2

Baylor Genetics
Classification: Pathogenic for Tetralogy of Fallot. Last evaluated: 2018-12-17. Review status: criteria provided, single submitter. Criteria: ACMG Guidelines, 2015. Collection method: clinical testing. Allele origin: de novo. Affected: yes.
Comment: This variant was determined to be pathogenic according to ACMG Guidelines, 2015 [PMID:25741868].